The following is an entry in ClinVar:

ClinVar aggregate classification (germline): Likely pathogenic (1 of 4 stars; one submission).

Conditions:
Fanconi anemia (FA). Also called: Fanconi's anemia. Identifiers: Orphanet 84, MedGen C0015625, MeSH D005199, MONDO:0019391.

Submission:

Natera, Inc.
Classification: Likely pathogenic for Fanconi anemia. Last evaluated: 2024-05-23. Review status: criteria provided, single submitter. Criteria: Natera Variant Classification Schema (03/2026). Collection method: clinical testing. Allele origin: germline.
Comment: The c.3176dup variant in FANCA is a frameshift variant predicted to shift the reading frame beginning at codon 1060 and leads to a stop codon 56 codons downstream. This variant is expected to result in nonsense mediated decay, truncation, or a dysfunctional protein product. This variant is rare in the general population with a frequency below the threshold expected for the associated phenotype(s). Given the available evidence, this variant is classified as Likely Pathogenic.

NM_000135.4(FANCA):c.3176dup (p.Thr1060fs)

Gene: FANCA (FA complementation group A; minus strand). Cytogenetic location: 16q24.3.
Variant type: Duplication.
Coding change: c.3176dup on transcript NM_000135.4 (MANE Select); coding-DNA position 3176, one base duplicated (T; older notation c.3176dupT).
Protein change: p.Thr1060fs; shifts the reading frame from threonine 1060.
Molecular consequence: frameshift variant.
Genome position (GRCh38, 1-based): chr16:89,749,793, A duplicated on the plus strand (T on the coding strand, the reverse complement: FANCA is on the minus strand). VCF-style (leftmost placement, unchanged base first): chr16-89749792-C-CA. GRCh37 (hg19) VCF-style: chr16-89816200-C-CA.
Other names: c.3176dup, p.Thr1060fs (NM_001286167.3); short protein forms T1060fs.
Identifiers: ClinVar variation 4817528 (VCV004817528.1).